The following is an entry in ClinVar:

ClinVar aggregate classification (germline): Uncertain significance (1 of 4 stars; one submission).

Conditions:
Menkes kinky-hair syndrome (MNK). Also called: Classic Menkes Disease; Copper transport disease; Menkes Disease. Identifiers: Orphanet 565, MedGen C0022716, MONDO:0010651, OMIM 309400.
Cutis laxa, X-linked (OHS). Also called: EDS IX; Occipital horn syndrome. Identifiers: Orphanet 198, MedGen C0268353, MONDO:0010572, OMIM 304150.
X-linked distal spinal muscular atrophy type 3. Also called: ATP7A-Related Distal Motor Neuropathy; SPINAL MUSCULAR ATROPHY, DISTAL, X-LINKED RECESSIVE; NEURONOPATHY, DISTAL HEREDITARY MOTOR, X-LINKED; NEUROPATHY, DISTAL HEREDITARY MOTOR, X-LINKED. Identifiers: Orphanet 139557, MedGen C1845359, MONDO:0010338, OMIM 300489.

Submission:

Labcorp Genetics (formerly Invitae), Labcorp
Classification: Uncertain significance for X-linked distal spinal muscular atrophy type 3; Cutis laxa, X-linked; Menkes kinky-hair syndrome. Last evaluated: 2023-10-16. Review status: criteria provided, single submitter. Criteria: Invitae Variant Classification Sherloc (09022015). Collection method: clinical testing. Allele origin: germline.
Comment: This sequence change replaces lysine, which is basic and polar, with asparagine, which is neutral and polar, at codon 239 of the ATP7A protein (p.Lys239Asn). This variant is not present in population databases (gnomAD no frequency). This variant has not been reported in the literature in individuals affected with ATP7A-related conditions. Advanced modeling of protein sequence and biophysical properties (such as structural, functional, and spatial information, amino acid conservation, physicochemical variation, residue mobility, and thermodynamic stability) performed at Invitae indicates that this missense variant is not expected to disrupt ATP7A protein function. In summary, the available evidence is currently insufficient to determine the role of this variant in disease. Therefore, it has been classified as a Variant of Uncertain Significance.

NM_000052.7(ATP7A):c.717A>C (p.Lys239Asn)

Gene: ATP7A (ATPase copper transporting alpha; plus strand). Cytogenetic location: Xq21.1.
Variant type: single nucleotide variant.
Coding change: c.717A>C on transcript NM_000052.7 (MANE Select); coding-DNA position 717, A replaced by C.
Protein change: p.Lys239Asn; replaces lysine 239 with asparagine.
Molecular consequence: missense variant.
Genome position (GRCh38, 1-based): chrX:77,989,339, A>C. VCF-style: chrX-77989339-A-C. GRCh37 (hg19) VCF-style: chrX-77244835-A-C.
Other names: c.717A>C, p.Lys239Asn (NM_001282224.2); short protein forms K239N.
Identifiers: ClinVar variation 2952948 (VCV002952948.3), dbSNP rs2522292959, ClinGen allele CA413600660.